The following is an entry in ClinVar:

ClinVar aggregate classification (germline): Pathogenic (1 of 4 stars; one submission).

Conditions:
X-linked agammaglobulinemia (XLA). Also called: Bruton's agammaglobulinemia; Agammaglobulinemia, Bruton tyrosine kinase; Agammaglobulinemia, BTK; BTK-deficiency; AGAMMAGLOBULINEMIA, X-LINKED, TYPE 1; Bruton-type agammaglobulinemia. Identifiers: Orphanet 229717, Orphanet 47, MedGen C0221026, MONDO:0010421, OMIM 300755.

Submission:

Victorian Clinical Genetics Services, Murdoch Childrens Research Institute
Classification: Pathogenic for X-linked agammaglobulinemia. Last evaluated: 2022-02-02. Review status: criteria provided, single submitter. Criteria: ACMG Guidelines, 2015. Collection method: clinical testing. Allele origin: germline. Inheritance: X-linked recessive inheritance.
Comment: Based on the classification scheme VCGS_Germline_v1.3.4, this variant is classified as Pathogenic. Following criteria are met: 0102 - Loss of function is a known mechanism of disease in this gene and is associated with X-linked agammaglobulinemia 1 (MIM#300755). (I) 0109 - This gene is associated with X-linked recessive disease. (I) 0201 - Variant is predicted to cause nonsense-mediated decay (NMD) and loss of protein (premature termination codon is located at least 54 nucleotides upstream of the final exon-exon junction). (SP) 0251 - This variant is heterozygous. (I) 0301 - Variant is absent from gnomAD (both v2 and v3). (SP) 0701 - Other NMD-predicted variants comparable to the one identified in this case have very strong previous evidence for pathogenicity. NMD-predicted variants in this gene are a well-established cause of disease (ClinGen, PMID: 14974089) (SP) 0803 - This variant has limited previous evidence of pathogenicity in unrelated individuals. One affected family has been reported with this variant in the literature (PMID: 31803177). (SP) 1007 - No published functional evidence has been identified for this variant. (I) 1208 - Inheritance information for this variant is not currently available in this individual. (I) Legend: (SP) - Supporting pathogenic, (I) - Information, (SB) - Supporting benign

Literature cited by the submitters: PubMed 14974089; PubMed 31803177.

NM_000061.3(BTK):c.1257del (p.Lys420fs)

Gene: BTK (Bruton tyrosine kinase; minus strand). Cytogenetic location: Xq22.1.
Variant type: Deletion.
Coding change: c.1257del on transcript NM_000061.3 (MANE Select); coding-DNA position 1257, one base deleted (G; older notation c.1257delG).
Protein change: p.Lys420fs; shifts the reading frame from lysine 420.
Molecular consequence: frameshift variant. On other transcripts: intron variant (1).
Genome position (GRCh38, 1-based): chrX:101,356,876, C deleted on the plus strand (G on the coding strand, the reverse complement: BTK is on the minus strand); the first of 3 consecutive C bases (chrX:101,356,876-101,356,878); deleting any one gives the same sequence. VCF-style (leftmost placement, unchanged base first): chrX-101356875-TC-T. GRCh37 (hg19) VCF-style: chrX-100611863-TC-T.
Other names: c.1359del, p.Lys454fs (NM_001287344.2); c.1038+1498del (NM_001287345.2); short protein forms K420fs, K454fs.
Identifiers: ClinVar variation 1699267 (VCV001699267.3), dbSNP rs2147428293, ClinGen allele CA2573131735.
Genomic context (GRCh38, chrX:101,356,875, plus strand): 5'-CTTCAGACATGGAGCCTTCTTTGATCATCTTGATGGCCACGTCGTACTGGCCTCTCCATT[TC>T]CCATACTTCACTACCCCAAATTGTCCAGTCCCCAGCTCCTTCAAGAAGGTCAGGTCCTTT-3'